The following is an entry in ClinVar:

ClinVar aggregate classification (germline): Likely pathogenic (1 of 4 stars; one submission).

Conditions:
Combined oxidative phosphorylation deficiency 36 (COXPD36). Identifiers: MedGen C4693722, MONDO:0054781, OMIM 617950.

Allele frequency attached by ClinVar (database versions not stated): gnomAD 0.00001; gnomAD exomes 0.00001; TOPMed 0.00002.
gnomAD v4.1: 5 of 1,610,502 alleles (0.00031%); highest among the groups gnomAD compares: Non-Finnish European, 0.00042%; no homozygotes.

Submission:

Women's Health and Genetics/Laboratory Corporation of America, LabCorp
Classification: Likely pathogenic for Combined oxidative phosphorylation deficiency 36. Last evaluated: 2023-01-22. Review status: criteria provided, single submitter. Criteria: LabCorp Variant Classification Summary - May 2015. Collection method: clinical testing. Allele origin: germline.
Comment: Variant summary: MRPS2 c.300-2A>G is located in a canonical splice-site and is predicted to affect mRNA splicing resulting in a significantly altered protein due to either exon skipping, shortening, or inclusion of intronic material. Several computational tools predict a significant impact on normal splicing: Four predict the variant abolishes the canonical 3' splicing acceptor site. However, these predictions have yet to be confirmed by functional studies. The variant allele was found at a frequency of 4e-06 in 247078 control chromosomes. To our knowledge, no occurrence of c.300-2A>G in individuals affected with Combined Oxidative Phosphorylation Deficiency 36 and no experimental evidence demonstrating its impact on protein function have been reported. To our knowledge, only bi-allelically inherited missense variants in the MRPS2 gene have been reported among individuals affected with features of sensorineural hearing impairment, mild developmental delay, hypoglycemia, and a combined OXPHOS deficiency (Gardeitchik_2018). However, a decrease in the steady-state amounts of mutant MRPS2 in patient derived fibroblasts, an inhibition of mitochondrial translation and resultant combined OXPHOS deficiency that was restored by re-introduction of wild-type MRPS2 supports a loss of function mechanism of disease. No clinical diagnostic laboratories have submitted clinical-significance assessments for this variant to ClinVar after 2014. Based on the evidence outlined above, the variant was classified as likely pathogenic.

NM_016034.5(MRPS2):c.300-2A>G

Genes: MRPS2 (mitochondrial ribosomal protein S2; plus strand), LOC101928525 (uncharacterized LOC101928525; minus strand). Cytogenetic location: 9q34.3.
Variant type: single nucleotide variant.
Coding change: c.300-2A>G on transcript NM_016034.5 (MANE Select); the canonical splice acceptor site of the intron before coding-DNA position 300, A replaced by G.
Molecular consequence: splice acceptor variant. On other transcripts: non-coding transcript variant (1).
Genome position (GRCh38, 1-based): chr9:135,503,540, A>G. VCF-style: chr9-135503540-A-G. GRCh37 (hg19) VCF-style: chr9-138395386-A-G.
Other names: c.300-2A>G (NM_001371401.1).
Identifiers: ClinVar variation 2429260 (VCV002429260.4), dbSNP rs1028488967, ClinGen allele CA201170123.